The following is an entry in ClinVar:

ClinVar aggregate classification (germline): Pathogenic (1 of 4 stars; one submission).

Conditions:
Mosaic variegated aneuploidy syndrome 1 (MVA1). Also called: Warburton-Anyane-Yeboa syndrome. Identifiers: Orphanet 1052, MedGen C1850343, MONDO:0009759, OMIM 257300.

Submission:

Labcorp Genetics (formerly Invitae), Labcorp
Classification: Pathogenic for Mosaic variegated aneuploidy syndrome 1. Last evaluated: 2021-09-16. Review status: criteria provided, single submitter. Criteria: Invitae Variant Classification Sherloc (09022015). Collection method: clinical testing. Allele origin: germline.
Comment: This variant is not present in population databases (ExAC no frequency). This variant has not been reported in the literature in individuals with BUB1B-related conditions. For these reasons, this variant has been classified as Pathogenic. This sequence change creates a premature translational stop signal (p.Gln57*) in the BUB1B gene. It is expected to result in an absent or disrupted protein product. Loss-of-function variants in BUB1B are known to be pathogenic (PMID: 15475955, 21190457).

Literature cited by the submitters: PubMed 15475955; PubMed 21190457.

NM_001211.6(BUB1B):c.169C>T (p.Gln57Ter)

Gene: BUB1B (BUB1 mitotic checkpoint serine/threonine kinase B; plus strand). Cytogenetic location: 15q15.1.
Variant type: single nucleotide variant.
Coding change: c.169C>T on transcript NM_001211.6 (MANE Select); coding-DNA position 169, C replaced by T.
Protein change: p.Gln57Ter; replaces glutamine 57 with a stop codon.
Molecular consequence: nonsense.
Genome position (GRCh38, 1-based): chr15:40,165,186, C>T. VCF-style: chr15-40165186-C-T. GRCh37 (hg19) VCF-style: chr15-40457387-C-T.
Other names: short protein forms Q57*.
Identifiers: ClinVar variation 1386253 (VCV001386253.6), dbSNP rs2140878554, ClinGen allele CA391677323.
Genomic context (GRCh38, chr15:40,165,186, plus strand): 5'-ATCATGTCCACGCTTCAGGGAGCACTGGCACAAGAATCTGCCTGTAACAATACTCTTCAG[C>T]AGCAGAAACGGTGTGTAGAATGGCTGAGTCTCAACCTGTCGTCATTCATCCTAAATGTTG-3'